The following is an entry in ClinVar:

NM_198578.4(LRRK2):c.7524A>T (p.Glu2508Asp)

Gene: LRRK2 (leucine rich repeat kinase 2; plus strand). Cytogenetic location: 12q12.
Variant type: single nucleotide variant.
Coding change: c.7524A>T on transcript NM_198578.4 (MANE Select); coding-DNA position 7524, A replaced by T.
Protein change: p.Glu2508Asp; replaces glutamic acid 2508 with aspartic acid.
Molecular consequence: missense variant.
Genome position (GRCh38, 1-based): chr12:40,367,705, A>T. VCF-style: chr12-40367705-A-T. GRCh37 (hg19) VCF-style: chr12-40761507-A-T.
Other names: short protein forms E2508D.
Identifiers: ClinVar variation 1759342 (VCV001759342.2), dbSNP rs1946922578, ClinGen allele CA384416154.

ClinVar aggregate classification (germline): Uncertain significance (1 of 4 stars; one submission).

Conditions:
Inborn genetic diseases. Identifiers: MedGen C0950123, MeSH D030342.

Allele frequency attached by ClinVar (database versions not stated): TOPMed below 0.00001.

Submission:

Ambry Genetics
Classification: Uncertain significance for Inborn genetic diseases. Last evaluated: 2022-02-15. Review status: criteria provided, single submitter. Criteria: Ambry Variant Classification Scheme 2023. Collection method: clinical testing. Allele origin: germline.
Comment: The p.E2508D variant (also known as c.7524A>T), located in coding exon 51 of the LRRK2 gene, results from an A to T substitution at nucleotide position 7524. The glutamic acid at codon 2508 is replaced by aspartic acid, an amino acid with highly similar properties. This amino acid position is conserved. In addition, this alteration is predicted to be tolerated by in silico analysis. Since supporting evidence is limited at this time, the clinical significance of this alteration remains unclear.